The following is an entry in ClinVar:

NM_001330360.2(POLA1):c.1292A>T (p.Tyr431Phe)

Gene: POLA1 (DNA polymerase alpha 1, catalytic subunit; plus strand). Cytogenetic location: Xp22.11.
Variant type: single nucleotide variant.
Coding change: c.1292A>T on transcript NM_001330360.2 (MANE Select); coding-DNA position 1292, A replaced by T.
Protein change: p.Tyr431Phe; replaces tyrosine 431 with phenylalanine.
Molecular consequence: missense variant. On other transcripts: non-coding transcript variant (2).
Genome position (GRCh38, 1-based): chrX:24,724,426, A>T. VCF-style: chrX-24724426-A-T. GRCh37 (hg19) VCF-style: chrX-24742543-A-T.
Other names: c.1292A>T, p.Tyr431Phe (NM_001378303.1); c.1274A>T, p.Tyr425Phe (NM_016937.4); short protein forms Y425F, Y431F.
Identifiers: ClinVar variation 3343715 (VCV003343715.1).

ClinVar aggregate classification (germline): Uncertain significance (1 of 4 stars; one submission).

Submission:

GeneDx
Classification: Uncertain significance. Last evaluated: 2023-05-24. Review status: criteria provided, single submitter. Criteria: GeneDx Variant Classification Process June 2021. Collection method: clinical testing. Allele origin: germline. Affected: yes.
Comment: Not observed at significant frequency in large population cohorts (gnomAD); In silico analysis supports that this missense variant does not alter protein structure/function; Has not been previously published as pathogenic or benign to our knowledge